The following is an entry in ClinVar:

NM_018026.4(PACS1):c.1564C>G (p.Leu522Val)

Gene: PACS1 (phosphofurin acidic cluster sorting protein 1; plus strand). Cytogenetic location: 11q13.2.
Variant type: single nucleotide variant.
Coding change: c.1564C>G on transcript NM_018026.4 (MANE Select); coding-DNA position 1564, C replaced by G.
Protein change: p.Leu522Val; replaces leucine 522 with valine.
Molecular consequence: missense variant.
Genome position (GRCh38, 1-based): chr11:66,230,878, C>G. VCF-style: chr11-66230878-C-G. GRCh37 (hg19) VCF-style: chr11-65998349-C-G.
Other names: short protein forms L522V.
Identifiers: ClinVar variation 1481451 (VCV001481451.6), dbSNP rs2134735798, ClinGen allele CA381367545.
Genomic context (GRCh38, chr11:66,230,878, plus strand): 5'-GTGCACACACCCCGGCAGAAGAGGAGCACGCCCCTGAAGGAGCGGCAGCTCTCCAAGCCC[C>G]TAAGTGAGAGGACCAACAGTTCCGACAGCGAGCGCTCCCCAGATCTGGGCCACAGCACGC-3'
Protein context (NP_060496.2, residues 512-532): PLKERQLSKP[Leu522Val]SERTNSSDSE

ClinVar aggregate classification (germline): Uncertain significance (1 of 4 stars; one submission).

Conditions:
Schuurs-Hoeijmakers syndrome. Also called: PACS1-Related Neurodevelopmental Disorder. Identifiers: Orphanet 329224, MedGen C3554343, MONDO:0014006, OMIM 615009.

Allele frequency attached by ClinVar (database versions not stated): gnomAD exomes below 0.00001.
gnomAD v4.1: 1 of 1,614,186 alleles (0.000062%); highest among the groups gnomAD compares: Non-Finnish European, 0.000085%; no homozygotes.

Submission:

Labcorp Genetics (formerly Invitae), Labcorp
Classification: Uncertain significance for Schuurs-Hoeijmakers syndrome. Last evaluated: 2026-01-05. Review status: criteria provided, single submitter. Criteria: Invitae Variant Classification Sherloc (09022015). Collection method: clinical testing. Allele origin: germline.
Comment: This sequence change replaces leucine, which is neutral and non-polar, with valine, which is neutral and non-polar, at codon 522 of the PACS1 protein (p.Leu522Val). This variant is not present in population databases (gnomAD no frequency). This variant has not been reported in the literature in individuals affected with PACS1-related conditions. ClinVar contains an entry for this variant (Variation ID: 1481451). Invitae Evidence Modeling of protein sequence and biophysical properties (such as structural, functional, and spatial information, amino acid conservation, physicochemical variation, residue mobility, and thermodynamic stability) indicates that this missense variant is not expected to disrupt PACS1 protein function with a negative predictive value of 80%. Algorithms developed to predict the effect of sequence changes on RNA splicing suggest that this variant may create or strengthen a splice site. In summary, the available evidence is currently insufficient to determine the role of this variant in disease. Therefore, it has been classified as a Variant of Uncertain Significance.